The following is an entry in ClinVar:

ClinVar aggregate classification (germline): Uncertain significance (1 of 4 stars; one submission).

Conditions:
Congenital factor V deficiency. Also called: LABILE FACTOR DEFICIENCY; OWREN PARAHEMOPHILIA; PARAHEMOPHILIA; Hereditary factor V deficiency disease. Identifiers: Orphanet 326, MedGen C0015499, MONDO:0009210, OMIM 227400.

gnomAD v4.1: 1 of 1,610,342 alleles (0.000062%); highest among the groups gnomAD compares: Non-Finnish European, 0.000085%; no homozygotes.

Submission:

Labcorp Genetics (formerly Invitae), Labcorp
Classification: Uncertain significance for Congenital factor V deficiency. Last evaluated: 2025-04-18. Review status: criteria provided, single submitter. Criteria: Invitae Variant Classification Sherloc (09022015). Collection method: clinical testing. Allele origin: germline.
Comment: This sequence change replaces aspartic acid, which is acidic and polar, with histidine, which is basic and polar, at codon 1243 of the F5 protein (p.Asp1243His). This variant is present in population databases (no rsID available, gnomAD 0.0009%). This variant has not been reported in the literature in individuals affected with F5-related conditions. Invitae Evidence Modeling of protein sequence and biophysical properties (such as structural, functional, and spatial information, amino acid conservation, physicochemical variation, residue mobility, and thermodynamic stability) indicates that this missense variant is not expected to disrupt F5 protein function with a negative predictive value of 80%. In summary, the available evidence is currently insufficient to determine the role of this variant in disease. Therefore, it has been classified as a Variant of Uncertain Significance.

NM_000130.5(F5):c.3727G>C (p.Asp1243His)

Gene: F5 (coagulation factor V; minus strand). Cytogenetic location: 1q24.2.
Variant type: single nucleotide variant.
Coding change: c.3727G>C on transcript NM_000130.5 (MANE Select); coding-DNA position 3727, G replaced by C.
Protein change: p.Asp1243His; replaces aspartic acid 1243 with histidine.
Molecular consequence: missense variant.
Genome position (GRCh38, 1-based): chr1:169,541,363, C>G on the plus strand (G>C on the coding strand, the complement: F5 is on the minus strand). VCF-style: chr1-169541363-C-G. GRCh37 (hg19) VCF-style: chr1-169510601-C-G.
Other names: short protein forms D1243H.
Identifiers: ClinVar variation 4752273 (VCV004752273.1).